The following is an entry in ClinVar:

NM_012448.4(STAT5B):c.869G>C (p.Arg290Pro)

Gene: STAT5B (signal transducer and activator of transcription 5B; minus strand). Cytogenetic location: 17q21.2.
Variant type: single nucleotide variant.
Coding change: c.869G>C on transcript NM_012448.4 (MANE Select); coding-DNA position 869, G replaced by C.
Protein change: p.Arg290Pro; replaces arginine 290 with proline.
Molecular consequence: missense variant.
Genome position (GRCh38, 1-based): chr17:42,218,843, C>G on the plus strand (G>C on the coding strand, the complement: STAT5B is on the minus strand). VCF-style: chr17-42218843-C-G. GRCh37 (hg19) VCF-style: chr17-40370861-C-G.
Other names: short protein forms R290P.
Identifiers: ClinVar variation 1025307 (VCV001025307.11), dbSNP rs376599040, ClinGen allele CA399587041.

ClinVar aggregate classification (germline): Uncertain significance (1 of 4 stars; one submission).

Conditions:
Growth hormone insensitivity with immune dysregulation 1, autosomal recessive. Also called: GROWTH HORMONE INSENSITIVITY DUE TO POSTRECEPTOR DEFECT; LARON SYNDROME DUE TO POSTRECEPTOR DEFECT; Laron syndrome with immunodeficiency; GROWTH HORMONE INSENSITIVITY SYNDROME WITH IMMUNE DYSREGULATION 1, AUTOSOMAL RECESSIVE. Identifiers: Orphanet 220465, MedGen C5435698, MONDO:0100211, OMIM 245590.

Submission:

Labcorp Genetics (formerly Invitae), Labcorp
Classification: Uncertain significance for Growth hormone insensitivity with immune dysregulation 1, autosomal recessive. Last evaluated: 2020-01-28. Review status: criteria provided, single submitter. Criteria: Invitae Variant Classification Sherloc (09022015). Collection method: clinical testing. Allele origin: germline.
Comment: This sequence change replaces arginine with proline at codon 290 of the STAT5B protein (p.Arg290Pro). The arginine residue is moderately conserved and there is a moderate physicochemical difference between arginine and proline. This variant is not present in population databases (ExAC no frequency). This variant has not been reported in the literature in individuals with STAT5B-related conditions. Algorithms developed to predict the effect of missense changes on protein structure and function are either unavailable or do not agree on the potential impact of this missense change (SIFT: "Tolerated"; PolyPhen-2: "Probably Damaging"; Align-GVGD: "Class C0"). In summary, the available evidence is currently insufficient to determine the role of this variant in disease. Therefore, it has been classified as a Variant of Uncertain Significance.